The following is an entry in ClinVar:

ClinVar aggregate classification (germline): Uncertain significance. Review status: criteria provided, multiple submitters, no conflicts (2 of 4 stars). 2 submissions from 2 submitters: Uncertain significance (2). Last evaluated 2026-02-11.

Conditions:
Hereditary cancer-predisposing syndrome. Also called: Neoplastic Syndromes, Hereditary; Hereditary neoplastic syndrome; Tumor predisposition; Hereditary Cancer Syndrome. Identifiers: Orphanet 140162, MedGen C0027672, MeSH D009386, MONDO:0015356.

Allele frequency attached by ClinVar (database versions not stated): gnomAD exomes below 0.00001.
gnomAD v4.1: 4 of 1,606,770 alleles (0.00025%); highest among the groups gnomAD compares: South Asian, 0.0034%; no homozygotes.

Submissions (2):

Ambry Genetics
Classification: Uncertain significance for Hereditary cancer-predisposing syndrome. Last evaluated: 2026-02-11. Review status: criteria provided, single submitter. Criteria: Ambry Variant Classification Scheme 2023. Collection method: clinical testing. Allele origin: germline.
Comment: The c.213+4A>G intronic variant results from an A to G substitution 4 nucleotides after coding exon 2 in the RAD50 gene. This nucleotide position is highly conserved in available vertebrate species. In silico splice site analysis predicts that this alteration will not have any significant effect on splicing. Based on the available evidence, the clinical significance of this variant remains unclear.

Labcorp Genetics (formerly Invitae), Labcorp
Classification: Uncertain significance for Hereditary cancer-predisposing syndrome. Last evaluated: 2022-06-03. Review status: criteria provided, single submitter. Criteria: Invitae Variant Classification Sherloc (09022015). Collection method: clinical testing. Allele origin: germline.
Comment: This sequence change falls in intron 2 of the RAD50 gene. It does not directly change the encoded amino acid sequence of the RAD50 protein. It affects a nucleotide within the consensus splice site. This variant is present in population databases (no rsID available, gnomAD 0.0009%). This variant has not been reported in the literature in individuals affected with RAD50-related conditions. ClinVar contains an entry for this variant (Variation ID: 652245). Variants that disrupt the consensus splice site are a relatively common cause of aberrant splicing (PMID: 17576681, 9536098). Algorithms developed to predict the effect of sequence changes on RNA splicing suggest that this variant is not likely to affect RNA splicing. In summary, the available evidence is currently insufficient to determine the role of this variant in disease. Therefore, it has been classified as a Variant of Uncertain Significance.

Literature cited by the submitters: PubMed 17576681 (cited by Labcorp Genetics (formerly Invitae), Labcorp); PubMed 9536098 (cited by Labcorp Genetics (formerly Invitae), Labcorp).

NM_005732.4(RAD50):c.213+4A>G

Gene: RAD50 (RAD50 double strand break repair protein; plus strand). Cytogenetic location: 5q31.1.
Variant type: single nucleotide variant.
Coding change: c.213+4A>G on transcript NM_005732.4 (MANE Select); 4 bases into the intron after coding-DNA position 213, A replaced by G.
Molecular consequence: intron variant.
Genome position (GRCh38, 1-based): chr5:132,559,371, A>G. VCF-style: chr5-132559371-A-G. GRCh37 (hg19) VCF-style: chr5-131895063-A-G.
Identifiers: ClinVar variation 652245 (VCV000652245.12), dbSNP rs1306208203, ClinGen allele CA562773356.